The following is an entry in ClinVar:

NM_000169.3(GLA):c.890C>A (p.Ser297Tyr)

Genes: GLA (galactosidase alpha; minus strand), RPL36A-HNRNPH2 (RPL36A-HNRNPH2 readthrough; plus strand). Cytogenetic location: Xq22.1.
Variant type: single nucleotide variant.
Coding change: c.890C>A on transcript NM_000169.3 (MANE Select); coding-DNA position 890, C replaced by A.
Protein change: p.Ser297Tyr; replaces serine 297 with tyrosine.
Molecular consequence: missense variant. On other transcripts: non-coding transcript variant (3), intron variant (2).
Genome position (GRCh38, 1-based): chrX:101,398,479, G>T on the plus strand (C>A on the coding strand, the complement: GLA is on the minus strand). VCF-style: chrX-101398479-G-T. GRCh37 (hg19) VCF-style: chrX-100653467-G-T.
Other names: c.1013C>A, p.Ser338Tyr (NM_001406747.1); c.890C>A, p.Ser297Tyr (NM_001406748.1); c.300+3022G>T (NM_001199973.2); c.177+6657G>T (NM_001199974.2); short protein forms S297Y, S338Y.
Identifiers: ClinVar variation 996293 (VCV000996293.11), dbSNP rs28935489, ClinGen allele CA413922381.

ClinVar aggregate classification (germline): Pathogenic/Likely pathogenic. Review status: criteria provided, multiple submitters, no conflicts (2 of 4 stars). 4 submissions from 4 submitters: Pathogenic (1); Likely pathogenic (3). Last evaluated 2026-09-08.

Conditions:
Fabry disease. Also called: Angiokeratoma corporis diffusum; Fabry's disease; Ceramide trihexosidosis; ALPHA-GALACTOSIDASE A DEFICIENCY; ANDERSON-FABRY DISEASE; CERAMIDE TRIHEXOSIDASE DEFICIENCY. Identifiers: Orphanet 324, MedGen C0002986, MONDO:0010526, OMIM 301500, HP:0001071. Disease mechanism: Fabry disease is due to inactivating mutations in the X-linked GLA gene resulting in deficiency of the enzyme Alpha Galactosidase-A., loss of function.

Submissions (4):

Genomenon, Inc
Classification: Likely pathogenic for Fabry disease. Last evaluated: 2026-09-08. Review status: criteria provided, single submitter. Criteria: Genomenon Sequence Variant Interpretation Standards - Updated. Collection method: curation. Allele origin: germline. Affected: yes.
Comment: GLA p.Ser297Tyr (c.890C>A) is a missense variant that changes the amino acid at codon 297 from Serine to Tyrosine. This variant has been observed in at least one proband with clinical features consistent with Fabry disease (PMID:37940383;32203225). The presence of pathogenic/likely pathogenic missense variant(s) at the same amino acid position indicates that this residue is likely important for protein function. It is absent or not present at a significant frequency in gnomAD. In silico models predict that this variant is possibly or probably damaging. In conclusion, we classify GLA p.Ser297Tyr (c.890C>A) as a likely pathogenic variant.

Women's Health and Genetics/Laboratory Corporation of America, LabCorp
Classification: Likely pathogenic for Fabry disease. Last evaluated: 2025-07-25. Review status: criteria provided, single submitter. Criteria: LabCorp Variant Classification Summary - May 2015. Collection method: clinical testing. Allele origin: germline.
Comment: Variant summary: GLA c.890C>A (p.Ser297Tyr) results in a non-conservative amino acid change in the encoded protein sequence. Algorithms developed to predict the effect of missense changes on protein structure and function all suggest that this variant is likely to be disruptive. The variant was absent in 183467 control chromosomes. c.890C>A has been reported in the literature in at least an individual affected with Fabry Disease, with a positive family history and low alpha-gal activity, without providing specific details (Thomas_2020). To our knowledge, no experimental evidence demonstrating an impact on protein function has been reported. Additionally, at least two variant at the Ser297 residue have been reported as PATH/Likely Pathogenic in ClinVar (p.Ser297Phe, p.Ser297Pro), suggesting that this codon is functionally important. The following publication has been ascertained in the context of this evaluation (PMID: 32203225). ClinVar contains an entry for this variant (Variation ID: 996293). Based on the evidence outlined above, the variant was classified as likely pathogenic.

GeneDx
Classification: Pathogenic. Last evaluated: 2025-05-19. Review status: criteria provided, single submitter. Criteria: GeneDx Variant Classification Process June 2021. Collection method: clinical testing. Allele origin: germline.
Comment: Not observed at significant frequency in large population cohorts (gnomAD); In silico analysis supports that this missense variant has a deleterious effect on protein structure/function; This variant is associated with the following publications: (PMID: 27657681, 23935525, 32203225)

Labcorp Genetics (formerly Invitae), Labcorp
Classification: Likely pathogenic for Fabry disease. Last evaluated: 2022-02-18. Review status: criteria provided, single submitter. Criteria: Invitae Variant Classification Sherloc (09022015). Collection method: clinical testing. Allele origin: germline.
Comment: In summary, the currently available evidence indicates that the variant is pathogenic, but additional data are needed to prove that conclusively. Therefore, this variant has been classified as Likely Pathogenic. This sequence change replaces serine, which is neutral and polar, with tyrosine, which is neutral and polar, at codon 297 of the GLA protein (p.Ser297Tyr). This variant is not present in population databases (gnomAD no frequency). This missense change has been observed in individual(s) with Fabry disease (PMID: 32203225). ClinVar contains an entry for this variant (Variation ID: 996293). Algorithms developed to predict the effect of missense changes on protein structure and function (SIFT, PolyPhen-2, Align-GVGD) all suggest that this variant is likely to be disruptive. This variant disrupts the p.Ser297 amino acid residue in GLA. Other variant(s) that disrupt this residue have been determined to be pathogenic (PMID: 7504405, 12428061, 19287194, 26238931). This suggests that this residue is clinically significant, and that variants that disrupt this residue are likely to be disease-causing.

Literature cited by the submitters: PubMed 37940383 (cited by Genomenon, Inc); PubMed 32203225 (cited by 3 submitters); PubMed 7504405 (cited by Labcorp Genetics (formerly Invitae), Labcorp); PubMed 12428061 (cited by Labcorp Genetics (formerly Invitae), Labcorp); PubMed 19287194 (cited by Labcorp Genetics (formerly Invitae), Labcorp); PubMed 26238931 (cited by Labcorp Genetics (formerly Invitae), Labcorp).